The following is an entry in ClinVar:

NM_182961.4(SYNE1):c.8487+6T>C

Gene: SYNE1 (spectrin repeat containing nuclear envelope protein 1; minus strand). Cytogenetic location: 6q25.2.
Variant type: single nucleotide variant.
Coding change: c.8487+6T>C on transcript NM_182961.4 (MANE Select); 6 bases into the intron after coding-DNA position 8487, T replaced by C.
Molecular consequence: intron variant.
Genome position (GRCh38, 1-based): chr6:152,387,066, A>G on the plus strand (T>C on the coding strand, the complement: SYNE1 is on the minus strand). VCF-style: chr6-152387066-A-G. GRCh37 (hg19) VCF-style: chr6-152708201-A-G.
Other names: c.8508+6T>C (NM_033071.5).
Identifiers: ClinVar variation 1493107 (VCV001493107.6), dbSNP rs2097536510, ClinGen allele CA1673306579.

ClinVar aggregate classification (germline): Uncertain significance (1 of 4 stars; one submission).

Conditions:
Autosomal recessive ataxia, Beauce type. Also called: SYNE1-Related Autosomal Recessive Cerebellar Ataxia; Spinocerebellar ataxia, autosomal recessive 8; ATAXIA, RECESSIVE, OF BEAUCE; SYNE1 Deficiency. Identifiers: Orphanet 88644, MedGen C1853116, MONDO:0012549, OMIM 610743.
Emery-Dreifuss muscular dystrophy 4, autosomal dominant (EDMD4). Also called: EMERY-DREIFUSS MUSCULAR DYSTROPHY 4 WITH VARIABLE FEATURES. Identifiers: Orphanet 261, MedGen C2751807, MONDO:0013071, OMIM 612998.

Allele frequency attached by ClinVar (database versions not stated): TOPMed below 0.00001.

Submission:

Labcorp Genetics (formerly Invitae), Labcorp
Classification: Uncertain significance for Emery-Dreifuss muscular dystrophy 4, autosomal dominant; Autosomal recessive ataxia, Beauce type. Last evaluated: 2022-04-11. Review status: criteria provided, single submitter. Criteria: Invitae Variant Classification Sherloc (09022015). Collection method: clinical testing. Allele origin: germline.
Comment: This sequence change falls in intron 54 of the SYNE1 gene. It does not directly change the encoded amino acid sequence of the SYNE1 protein. It affects a nucleotide within the consensus splice site. This variant is not present in population databases (gnomAD no frequency). This variant has not been reported in the literature in individuals affected with SYNE1-related conditions. Variants that disrupt the consensus splice site are a relatively common cause of aberrant splicing (PMID: 17576681, 9536098). Algorithms developed to predict the effect of sequence changes on RNA splicing suggest that this variant is not likely to affect RNA splicing. In summary, the available evidence is currently insufficient to determine the role of this variant in disease. Therefore, it has been classified as a Variant of Uncertain Significance.

Literature cited by the submitters: PubMed 17576681; PubMed 9536098.